The following is an entry in ClinVar:

ClinVar aggregate classification (germline): Benign/Likely benign. Review status: criteria provided, multiple submitters, no conflicts (2 of 4 stars). 2 submissions from 2 submitters: Benign (1); Likely benign (1). Last evaluated 2024-09-24.

Conditions:
Hereditary cancer-predisposing syndrome. Also called: Hereditary Cancer Syndrome; Tumor predisposition; Hereditary neoplastic syndrome; Neoplastic Syndromes, Hereditary. Identifiers: Orphanet 140162, MedGen C0027672, MeSH D009386, MONDO:0015356.
Melanoma, cutaneous malignant, susceptibility to, 3. Also called: Cutaneous malignant melanoma 3. Identifiers: Orphanet 618, MedGen C1836892, MONDO:0012183, OMIM 609048.

gnomAD v4.1: 1 of 1,614,140 alleles (0.000062%); highest among the groups gnomAD compares: Non-Finnish European, 0.000085%; no homozygotes.

Submissions (2):

Myriad Genetics, Inc.
Classification: Benign for Melanoma, cutaneous malignant, susceptibility to, 3. Last evaluated: 2024-09-24. Review status: criteria provided, single submitter. Criteria: Myriad Autosomal Dominant, Autosomal Recessive and X-Linked Classification Criteria (2023). Collection method: clinical testing. Allele origin: unknown.
Comment: This variant is considered benign. This variant is a silent/synonymous amino acid change and it is not expected to impact splicing.

Ambry Genetics
Classification: Likely benign for Hereditary cancer-predisposing syndrome. Last evaluated: 2024-03-23. Review status: criteria provided, single submitter. Criteria: Ambry Variant Classification Scheme 2023. Collection method: clinical testing. Allele origin: germline.

NM_000075.4(CDK4):c.69C>T (p.Ala23=)

Gene: CDK4 (cyclin dependent kinase 4; minus strand). Cytogenetic location: 12q14.1.
Variant type: single nucleotide variant.
Coding change: c.69C>T on transcript NM_000075.4 (MANE Select); coding-DNA position 69, C replaced by T.
Protein change: p.Ala23=; no amino-acid change (alanine 23 retained).
Molecular consequence: synonymous variant.
Genome position (GRCh38, 1-based): chr12:57,751,649, G>A on the plus strand (C>T on the coding strand, the complement: CDK4 is on the minus strand). VCF-style: chr12-57751649-G-A. GRCh37 (hg19) VCF-style: chr12-58145432-G-A.
Identifiers: ClinVar variation 3265469 (VCV003265469.2).